The following is an entry in ClinVar:

NM_001042492.3(NF1):c.4721C>T (p.Thr1574Ile)

Gene: NF1 (neurofibromin 1; plus strand). Cytogenetic location: 17q11.2.
Variant type: single nucleotide variant.
Coding change: c.4721C>T on transcript NM_001042492.3 (MANE Select); coding-DNA position 4721, C replaced by T.
Protein change: p.Thr1574Ile; replaces threonine 1574 with isoleucine.
Molecular consequence: missense variant.
Genome position (GRCh38, 1-based): chr17:31,261,854, C>T. VCF-style: chr17-31261854-C-T. GRCh37 (hg19) VCF-style: chr17-29588872-C-T.
Other names: c.4658C>T, p.Thr1553Ile (NM_000267.4); short protein forms T1553I, T1574I.
Identifiers: ClinVar variation 561685 (VCV000561685.17), dbSNP rs1567863650, ClinGen allele CA399000676.
Genomic context (GRCh38, chr17:31,261,854, plus strand): 5'-TGGCAGATACACACTGGTCCAGCCTTAACCTTACCAGTTCAAAGTTTGAGGAATTTATGA[C>T]TAGGTAAAGTACAACCTTGAAATAGTTGATTGCTTTCTTTTTGGTTGAGAAGGAGAGTTT-3'
Protein context (NP_001035957.1, residues 1564-1584): LTSSKFEEFM[Thr1574Ile]RHQVHEKEEF

ClinVar aggregate classification (germline): Uncertain significance. Review status: criteria provided, multiple submitters, no conflicts (2 of 4 stars). 5 submissions from 5 submitters: Uncertain significance (5). Last evaluated 2025-09-16.

Conditions:
Neurofibromatosis, type 1 (NF1). Also called: VON RECKLINGHAUSEN DISEASE; NEUROFIBROMATOSIS, TYPE I, SOMATIC; Peripheral type neurofibromatosis; Neurofibromatosis, type I. Identifiers: Orphanet 636, MedGen C0027831, MONDO:0018975, OMIM 162200. Disease mechanism: loss of function.
Hereditary cancer-predisposing syndrome. Also called: Neoplastic Syndromes, Hereditary; Tumor predisposition; Hereditary Cancer Syndrome; Hereditary neoplastic syndrome. Identifiers: Orphanet 140162, MedGen C0027672, MeSH D009386, MONDO:0015356.
Cardiovascular phenotype. Identifiers: MedGen CN230736.

Allele frequency attached by ClinVar (database versions not stated): gnomAD exomes below 0.00001; TOPMed below 0.00001.

Submissions (5):

Ambry Genetics
Classification: Uncertain significance for Cardiovascular phenotype; Hereditary cancer-predisposing syndrome. Last evaluated: 2025-09-16. Review status: criteria provided, single submitter. Criteria: Ambry Variant Classification Scheme 2023. Collection method: clinical testing. Allele origin: germline.
Comment: The p.T1553I variant (also known as c.4658C>T), located in coding exon 34 of the NF1 gene, results from a C to T substitution at nucleotide position 4658. The threonine at codon 1553 is replaced by isoleucine, an amino acid with similar properties. This amino acid position is highly conserved in available vertebrate species. In addition, the in silico prediction for this alteration is inconclusive. Since supporting evidence is limited at this time, the clinical significance of this alteration remains unclear.

Labcorp Genetics (formerly Invitae), Labcorp
Classification: Uncertain significance for Neurofibromatosis, type 1. Last evaluated: 2024-12-17. Review status: criteria provided, single submitter. Criteria: Invitae Variant Classification Sherloc (09022015). Collection method: clinical testing. Allele origin: germline.
Comment: This sequence change replaces threonine, which is neutral and polar, with isoleucine, which is neutral and non-polar, at codon 1553 of the NF1 protein (p.Thr1553Ile). This variant is not present in population databases (gnomAD no frequency). This variant has not been reported in the literature in individuals affected with NF1-related conditions. ClinVar contains an entry for this variant (Variation ID: 561685). Invitae Evidence Modeling of protein sequence and biophysical properties (such as structural, functional, and spatial information, amino acid conservation, physicochemical variation, residue mobility, and thermodynamic stability) indicates that this missense variant is not expected to disrupt NF1 protein function with a negative predictive value of 95%. In summary, the available evidence is currently insufficient to determine the role of this variant in disease. Therefore, it has been classified as a Variant of Uncertain Significance.

Genome-Nilou Lab
Classification: Uncertain significance for Neurofibromatosis, type 1. Last evaluated: 2022-03-15. Review status: criteria provided, single submitter. Criteria: ACMG Guidelines, 2015. Collection method: clinical testing. Allele origin: germline. Affected: no.

Genetic Services Laboratory, University of Chicago
Classification: Uncertain significance. Last evaluated: 2018-12-21. Review status: criteria provided, single submitter. Criteria: ACMG Guidelines, 2015. Collection method: clinical testing. Allele origin: germline. Affected: no.

GeneDx
Classification: Uncertain significance. Last evaluated: 2017-08-22. Review status: criteria provided, single submitter. Criteria: GeneDx Variant Classification (06012015). Collection method: clinical testing. Allele origin: germline. Affected: yes.
Comment: This variant is denoted NF1 c.4658C>T at the cDNA level, p.Thr1553Ile (T1553I) at the protein level, and results in the change of a Threonine to an Isoleucine (ACT>ATT). This variant has not, to our knowledge, been published in the literature as pathogenic or benign. NF1 Thr1553Ile was not observed in large population cohorts (NHLBI Exome Sequencing Project, The 1000 Genomes Consortium 2015, Lek 2016). Since Threonine and Isoleucine differ in polarity, charge, size or other properties, this is considered a non-conservative amino acid substitution. NF1 Thr1553Ile occurs at a position that is conserved across species and is not located in a known functional domain. In silico analyses are inconsistent regarding the effect this variant may have on protein structure and function. Based on currently available evidence, it is unclear whether NF1 Thr1553Ile is a pathogenic or benign variant. We consider it to be a variant of uncertain significance.